The following is an entry in ClinVar:

ClinVar aggregate classification (germline): Uncertain significance (1 of 4 stars; one submission).

Conditions:
Brachyolmia-amelogenesis imperfecta syndrome. Also called: PLATYSPONDYLY WITH AMELOGENESIS IMPERFECTA; Tooth agenesis, selective, 6; Dental anomalies and short stature. Identifiers: Orphanet 2899, MedGen C1832594, MONDO:0011018, OMIM 601216. Disease mechanism: loss of function.

Allele frequency attached by ClinVar (database versions not stated): gnomAD 0.00001.

Submission:

Labcorp Genetics (formerly Invitae), Labcorp
Classification: Uncertain significance for Brachyolmia-amelogenesis imperfecta syndrome. Last evaluated: 2025-02-18. Review status: criteria provided, single submitter. Criteria: Invitae Variant Classification Sherloc (09022015). Collection method: clinical testing. Allele origin: germline.
Comment: This sequence change replaces methionine, which is neutral and non-polar, with arginine, which is basic and polar, at codon 1081 of the LTBP3 protein (p.Met1081Arg). This variant is present in population databases (no rsID available, gnomAD 0.03%). This variant has not been reported in the literature in individuals affected with LTBP3-related conditions. ClinVar contains an entry for this variant (Variation ID: 2917903). An algorithm developed to predict the effect of missense changes on protein structure and function (PolyPhen-2) suggests that this variant is likely to be tolerated. In summary, the available evidence is currently insufficient to determine the role of this variant in disease. Therefore, it has been classified as a Variant of Uncertain Significance.

NM_001130144.3(LTBP3):c.3242T>G (p.Met1081Arg)

Genes: LTBP3 (latent transforming growth factor beta binding protein 3; minus strand), LOC121832793 (Sharpr-MPRA regulatory region 4001; plus strand). Cytogenetic location: 11q13.1.
Variant type: single nucleotide variant.
Coding change: c.3242T>G on transcript NM_001130144.3 (MANE Select); coding-DNA position 3242, T replaced by G.
Protein change: p.Met1081Arg; replaces methionine 1081 with arginine.
Molecular consequence: missense variant.
Genome position (GRCh38, 1-based): chr11:65,540,247, A>C on the plus strand (T>G on the coding strand, the complement: LTBP3 is on the minus strand). VCF-style: chr11-65540247-A-C. GRCh37 (hg19) VCF-style: chr11-65307718-A-C.
Other names: c.2891T>G, p.Met964Arg (NM_001164266.1); c.3242T>G, p.Met1081Arg (NM_021070.4); short protein forms M964R, M1081R.
Identifiers: ClinVar variation 2917903 (VCV002917903.3), dbSNP rs1423864826, ClinGen allele CA381267329.